The following is an entry in ClinVar:

ClinVar aggregate classification (germline): Likely benign. Review status: criteria provided, multiple submitters, no conflicts (2 of 4 stars). 3 submissions from 3 submitters: Likely benign (3). Last evaluated 2025-08-01.

Conditions:
DICER1-related tumor predisposition. Also called: DICER1-related pleuropulmonary blastoma cancer predisposition syndrome; DICER1 syndrome. Identifiers: Orphanet 284343, MedGen C3839822, MONDO:0100216.
Hereditary cancer-predisposing syndrome. Also called: Hereditary neoplastic syndrome; Neoplastic Syndromes, Hereditary; Tumor predisposition; Hereditary Cancer Syndrome. Identifiers: Orphanet 140162, MedGen C0027672, MeSH D009386, MONDO:0015356.

Submissions (3):

CeGaT Center for Human Genetics Tuebingen
Classification: Likely benign. Last evaluated: 2025-08-01. Review status: criteria provided, single submitter. Criteria: CeGaT Center For Human Genetics Tuebingen Variant Classification Criteria Version 2. Collection method: clinical testing. Allele origin: germline. Affected: yes. Observed: 1 variant allele.
Comment: DICER1: PM2:Supporting, BP4, BP7

Ambry Genetics
Classification: Likely benign for Hereditary cancer-predisposing syndrome. Last evaluated: 2024-11-02. Review status: criteria provided, single submitter. Criteria: Ambry Variant Classification Scheme 2023. Collection method: clinical testing. Allele origin: germline.

Labcorp Genetics (formerly Invitae), Labcorp
Classification: Likely benign for DICER1-related tumor predisposition. Last evaluated: 2022-06-14. Review status: criteria provided, single submitter. Criteria: Invitae Variant Classification Sherloc (09022015). Collection method: clinical testing. Allele origin: germline.

NM_177438.3(DICER1):c.4185T>C (p.Asp1395=)

Gene: DICER1 (dicer 1, ribonuclease III; minus strand). Cytogenetic location: 14q32.13.
Variant type: single nucleotide variant.
Coding change: c.4185T>C on transcript NM_177438.3 (MANE Select); coding-DNA position 4185, T replaced by C.
Protein change: p.Asp1395=; no amino-acid change (aspartic acid 1395 retained).
Molecular consequence: synonymous variant. On other transcripts: non-coding transcript variant (6).
Genome position (GRCh38, 1-based): chr14:95,099,801, A>G on the plus strand (T>C on the coding strand, the complement: DICER1 is on the minus strand). VCF-style: chr14-95099801-A-G. GRCh37 (hg19) VCF-style: chr14-95566138-A-G.
Other names: c.4185T>C, p.Asp1395= (NM_001195573.1, NM_001271282.3, NM_001291628.2 and 13 more transcripts); c.3903T>C, p.Asp1301= (NM_001395686.1); c.3780T>C, p.Asp1260= (NM_001395687.1, NM_001395688.1, NM_001395689.1 and 2 more transcripts); c.3618T>C, p.Asp1206= (NM_001395691.1); c.2502T>C, p.Asp834= (NM_001395697.1).
Identifiers: ClinVar variation 2198062 (VCV002198062.13), dbSNP rs2542598300, ClinGen allele CA487625737.